The following is an entry in ClinVar:

ClinVar aggregate classification (germline): Uncertain significance. Review status: criteria provided, multiple submitters, no conflicts (2 of 4 stars). 4 submissions from 4 submitters: Uncertain significance (4). Last evaluated 2025-10-20.

Conditions:
Cardiomyopathy (CMYO). Also called: Cardiomyopathies. Identifiers: Orphanet 167848, MedGen C0878544, MONDO:0004994, HP:0001638. Inheritance: Various modes of inheritance.
Cardiovascular phenotype. Identifiers: MedGen CN230736.
Catecholaminergic polymorphic ventricular tachycardia 1. Also called: VENTRICULAR TACHYCARDIA, CATECHOLAMINERGIC POLYMORPHIC, 1, WITH OR WITHOUT ATRIAL DYSFUNCTION AND/OR DILATED CARDIOMYOPATHY; VENTRICULAR TACHYCARDIA, STRESS-INDUCED POLYMORPHIC 1; RYR2-Related Catecholaminergic Polymorphic Ventricular Tachycardia. Identifiers: Orphanet 3286, MedGen C1631597, MONDO:0011484, OMIM 604772.

Allele frequency attached by ClinVar (database versions not stated): gnomAD exomes below 0.00001; gnomAD 0.00001; TOPMed 0.00002.
gnomAD v4.1: 2 of 1,608,114 alleles (0.00012%); highest among the groups gnomAD compares: Non-Finnish European, 0.00017%; no homozygotes.

Submissions (4):

Labcorp Genetics (formerly Invitae), Labcorp
Classification: Uncertain significance for Catecholaminergic polymorphic ventricular tachycardia 1. Last evaluated: 2025-10-20. Review status: criteria provided, single submitter. Criteria: Invitae Variant Classification Sherloc (09022015). Collection method: clinical testing. Allele origin: germline.
Comment: This sequence change replaces aspartic acid, which is acidic and polar, with glycine, which is neutral and non-polar, at codon 2002 of the RYR2 protein (p.Asp2002Gly). This variant is not present in population databases (gnomAD no frequency). This variant has not been reported in the literature in individuals affected with RYR2-related conditions. ClinVar contains an entry for this variant (Variation ID: 2916492). Invitae Evidence Modeling of protein sequence and biophysical properties (such as structural, functional, and spatial information, amino acid conservation, physicochemical variation, residue mobility, and thermodynamic stability) indicates that this missense variant is not expected to disrupt RYR2 protein function with a negative predictive value of 95%. In summary, the available evidence is currently insufficient to determine the role of this variant in disease. Therefore, it has been classified as a Variant of Uncertain Significance.

Color Diagnostics, LLC DBA Color Health
Classification: Uncertain significance for Cardiomyopathy. Last evaluated: 2025-08-27. Review status: criteria provided, single submitter. Criteria: ACMG Guidelines, 2015. Collection method: clinical testing. Allele origin: germline.
Comment: This missense variant replaces aspartic acid with glycine at codon 2002 of the RYR2 protein. Computational prediction suggests that this variant may not impact protein structure and function. To our knowledge, functional studies have not been reported for this variant. This variant has not been reported in individuals affected with RYR2-related disorders in the literature. This variant has not been identified in the general population by the Genome Aggregation Database (gnomAD). The available evidence is insufficient to determine the role of this variant in disease conclusively. Therefore, this variant is classified as a Variant of Uncertain Significance.

GeneDx
Classification: Uncertain significance. Last evaluated: 2025-03-20. Review status: criteria provided, single submitter. Criteria: GeneDx Variant Classification Process June 2021. Collection method: clinical testing. Allele origin: germline. Affected: yes.
Comment: Not observed at significant frequency in large population cohorts (gnomAD); In silico analysis supports that this missense variant has a deleterious effect on protein structure/function; Has not been previously published as pathogenic or benign to our knowledge; Not located in one of the three hot-spot regions of the RYR2 gene, where the majority of pathogenic missense variants occur (PMID: 19926015); This variant is associated with the following publications: (PMID: 19926015)

Ambry Genetics
Classification: Uncertain significance for Cardiovascular phenotype. Last evaluated: 2023-11-21. Review status: criteria provided, single submitter. Criteria: Ambry Variant Classification Scheme 2023. Collection method: clinical testing. Allele origin: germline.
Comment: The p.D2002G variant (also known as c.6005A>G), located in coding exon 39 of the RYR2 gene, results from an A to G substitution at nucleotide position 6005. The aspartic acid at codon 2002 is replaced by glycine, an amino acid with similar properties. This amino acid position is highly conserved in available vertebrate species. In addition, the in silico prediction for this alteration is inconclusive. Since supporting evidence is limited at this time, the clinical significance of this alteration remains unclear.

NM_001035.3(RYR2):c.6005A>G (p.Asp2002Gly)

Gene: RYR2 (ryanodine receptor 2; plus strand). Cytogenetic location: 1q43.
Variant type: single nucleotide variant.
Coding change: c.6005A>G on transcript NM_001035.3 (MANE Select); coding-DNA position 6005, A replaced by G.
Protein change: p.Asp2002Gly; replaces aspartic acid 2002 with glycine.
Molecular consequence: missense variant.
Genome position (GRCh38, 1-based): chr1:237,623,853, A>G. VCF-style: chr1-237623853-A-G. GRCh37 (hg19) VCF-style: chr1-237787153-A-G.
Other names: c.6005A>G (NM_001035.2); short protein forms D2002G.
Identifiers: ClinVar variation 2916492 (VCV002916492.6), dbSNP rs1196877764, ClinGen allele CA345408336.